The following is an entry in ClinVar:

NM_000350.3(ABCA4):c.4900G>T (p.Ala1634Ser)

Genes: ABCA4 (ATP binding cassette subfamily A member 4; minus strand), LOC126805793 (CDK7 strongly-dependent group 2 enhancer GRCh37_chr1:94486302-94487501; plus strand). Cytogenetic location: 1p22.1.
Variant type: single nucleotide variant.
Coding change: c.4900G>T on transcript NM_000350.3 (MANE Select); coding-DNA position 4900, G replaced by T.
Protein change: p.Ala1634Ser; replaces alanine 1634 with serine.
Molecular consequence: missense variant.
Genome position (GRCh38, 1-based): chr1:94,021,358, C>A on the plus strand (G>T on the coding strand, the complement: ABCA4 is on the minus strand). VCF-style: chr1-94021358-C-A. GRCh37 (hg19) VCF-style: chr1-94486914-C-A.
Other names: c.4678G>T, p.Ala1560Ser (NM_001425324.1); short protein forms A1634S, A1560S.
Identifiers: ClinVar variation 502461 (VCV000502461.6), dbSNP rs1553188613, ClinGen allele CA341283131.

ClinVar aggregate classification (germline): Uncertain significance. Review status: criteria provided, multiple submitters, no conflicts (2 of 4 stars). 2 submissions from 2 submitters: Uncertain significance (2). Last evaluated 2025-04-29.

Submissions (2):

Labcorp Genetics (formerly Invitae), Labcorp
Classification: Uncertain significance. Last evaluated: 2025-04-29. Review status: criteria provided, single submitter. Criteria: Invitae Variant Classification Sherloc (09022015). Collection method: clinical testing. Allele origin: germline.
Comment: This sequence change replaces alanine, which is neutral and non-polar, with serine, which is neutral and polar, at codon 1634 of the ABCA4 protein (p.Ala1634Ser). This variant is not present in population databases (gnomAD no frequency). This variant has not been reported in the literature in individuals affected with ABCA4-related conditions. ClinVar contains an entry for this variant (Variation ID: 502461). Invitae Evidence Modeling of protein sequence and biophysical properties (such as structural, functional, and spatial information, amino acid conservation, physicochemical variation, residue mobility, and thermodynamic stability) indicates that this missense variant is expected to disrupt ABCA4 protein function with a positive predictive value of 95%. In summary, the available evidence is currently insufficient to determine the role of this variant in disease. Therefore, it has been classified as a Variant of Uncertain Significance.

Eurofins Ntd Llc (ga)
Classification: Uncertain significance. Last evaluated: 2017-06-23. Review status: criteria provided, single submitter. Criteria: EGL Classification Definitions 2015. Collection method: clinical testing. Allele origin: germline. Observed: 1 variant allele, 1 heterozygote.